The following is an entry in ClinVar:

ClinVar aggregate classification (germline): Uncertain significance (1 of 4 stars; one submission).

Allele frequency attached by ClinVar (database versions not stated): TOPMed 0.00001.

Submission:

Labcorp Genetics (formerly Invitae), Labcorp
Classification: Uncertain significance. Last evaluated: 2023-10-05. Review status: criteria provided, single submitter. Criteria: Invitae Variant Classification Sherloc (09022015). Collection method: clinical testing. Allele origin: germline.
Comment: This sequence change replaces glutamic acid, which is acidic and polar, with glycine, which is neutral and non-polar, at codon 130 of the NDP protein (p.Glu130Gly). This variant is present in population databases (no rsID available, gnomAD 0.005%). This variant has not been reported in the literature in individuals affected with NDP-related conditions. Advanced modeling of protein sequence and biophysical properties (such as structural, functional, and spatial information, amino acid conservation, physicochemical variation, residue mobility, and thermodynamic stability) has been performed at Invitae for this missense variant, however the output from this modeling did not meet the statistical confidence thresholds required to predict the impact of this variant on NDP protein function. In summary, the available evidence is currently insufficient to determine the role of this variant in disease. Therefore, it has been classified as a Variant of Uncertain Significance.

NM_000266.4(NDP):c.389A>G (p.Glu130Gly)

Genes: NDP (norrin cystine knot growth factor NDP; minus strand), NDP-AS1 (NDP antisense RNA 1; plus strand). Cytogenetic location: Xp11.3.
Variant type: single nucleotide variant.
Coding change: c.389A>G on transcript NM_000266.4 (MANE Select); coding-DNA position 389, A replaced by G.
Protein change: p.Glu130Gly; replaces glutamic acid 130 with glycine.
Molecular consequence: missense variant. On other transcripts: non-coding transcript variant (1).
Genome position (GRCh38, 1-based): chrX:43,949,812, T>C on the plus strand (A>G on the coding strand, the complement: NDP is on the minus strand). VCF-style: chrX-43949812-T-C. GRCh37 (hg19) VCF-style: chrX-43809058-T-C.
Other names: short protein forms E130G.
Identifiers: ClinVar variation 2998376 (VCV002998376.3), dbSNP rs1256956156, ClinGen allele CA413007257.